The following is an entry in ClinVar:

ClinVar aggregate classification (germline): Pathogenic (1 of 4 stars; one submission).

Conditions:
Hereditary cancer-predisposing syndrome. Also called: Neoplastic Syndromes, Hereditary; Tumor predisposition; Hereditary Cancer Syndrome; Hereditary neoplastic syndrome. Identifiers: Orphanet 140162, MedGen C0027672, MeSH D009386, MONDO:0015356.
Cardiovascular phenotype. Identifiers: MedGen CN230736.

Submission:

Ambry Genetics
Classification: Pathogenic for Cardiovascular phenotype; Hereditary cancer-predisposing syndrome. Last evaluated: 2022-06-01. Review status: criteria provided, single submitter. Criteria: Ambry Variant Classification Scheme 2023. Collection method: clinical testing. Allele origin: germline.
Comment: The c.1846-569A>C intronic pathogenic mutation results from an A to C substitution 569 nucleotides upstream from coding exon 17 in the NF1 gene. This variant has been determined to be the result of a de novo mutation or germline mosaicism in one family with an isolated case of neurofibromatosis type 1. In silico splice site analysis predicts that this alteration will result in the creation or strengthening of a novel splice acceptor site. RNA studies have demonstrated that this alteration results in abnormal splicing in the set of samples tested (Ambry internal data). This variant is considered to be rare based on population cohorts in the Genome Aggregation Database (gnomAD). Based on the supporting evidence, this alteration is interpreted as a disease-causing mutation.

NM_001042492.3(NF1):c.1846-569A>C

Gene: NF1 (neurofibromin 1; plus strand). Cytogenetic location: 17q11.2.
Variant type: single nucleotide variant.
Coding change: c.1846-569A>C on transcript NM_001042492.3 (MANE Select); 569 bases into the intron before coding-DNA position 1846, A replaced by C.
Molecular consequence: intron variant.
Genome position (GRCh38, 1-based): chr17:31,224,526, A>C. VCF-style: chr17-31224526-A-C. GRCh37 (hg19) VCF-style: chr17-29551544-A-C.
Other names: c.1846-569A>C (NM_000267.4).
Identifiers: ClinVar variation 1781246 (VCV001781246.2), dbSNP rs2508135079, ClinGen allele CA2580092863.